The following is an entry in ClinVar:

NM_018418.5(SPATA7):c.1632T>C (p.Asp544=)

Gene: SPATA7 (spermatogenesis associated 7; plus strand). Cytogenetic location: 14q31.3.
Variant type: single nucleotide variant.
Coding change: c.1632T>C on transcript NM_018418.5 (MANE Select); coding-DNA position 1632, T replaced by C.
Protein change: p.Asp544=; no amino-acid change (aspartic acid 544 retained).
Molecular consequence: synonymous variant.
Genome position (GRCh38, 1-based): chr14:88,438,254, T>C. VCF-style: chr14-88438254-T-C. GRCh37 (hg19) VCF-style: chr14-88904598-T-C.
Other names: c.1632T>C (NM_018418.4); c.1536T>C, p.Asp512= (NM_001040428.4).
Identifiers: ClinVar variation 2949921 (VCV002949921.5), dbSNP rs2504301641, ClinGen allele CA487280041.
Genomic context (GRCh38, chr14:88,438,254, plus strand): 5'-TCCAAGTATTTCAGACAGTTTAACAGATCGGGAAACTTCTGTGAATGTCATTGAAGGTGA[T>C]AGTGACCCTGAAAAGGTTGAGATTTCAAATGGATTATGTGGTCTTAACACATCACCCTCC-3'
Protein context (NP_060888.2, residues 534-554): RETSVNVIEG[Asp544=]SDPEKVEISN

ClinVar aggregate classification (germline): Likely benign. Review status: criteria provided, single submitter (1 of 4 stars). 2 submissions from 2 submitters: Likely benign (1). 1 of the submissions does not count toward it. Last evaluated 2023-06-27.

Conditions:
SPATA7-related disorder. Also called: SPATA7-related disorders; SPATA7-related condition. Identifiers: MedGen CN239422.
Leber congenital amaurosis 3 (LCA3). Also called: SPATA7-Related Retinitis Pigmentosa. Identifiers: MedGen C1858677, MONDO:0011415, OMIM 604232.

Allele frequency attached by ClinVar (database versions not stated): gnomAD exomes 0.00002.
gnomAD v4.1: 14 of 1,614,134 alleles (0.00087%); highest among the groups gnomAD compares: Non-Finnish European, 0.0011%; no homozygotes.

Submissions (2):

Labcorp Genetics (formerly Invitae), Labcorp
Classification: Likely benign for Leber congenital amaurosis 3. Last evaluated: 2023-06-27. Review status: criteria provided, single submitter. Criteria: Invitae Variant Classification Sherloc (09022015). Collection method: clinical testing. Allele origin: germline.

PreventionGenetics, part of Exact Sciences
Classification: Likely benign for SPATA7-related condition. Last evaluated: 2019-07-29. Review status: no assertion criteria provided. Collection method: clinical testing. Allele origin: germline. Not counted in ClinVar's aggregate classification.
Comment: This variant is classified as likely benign based on ACMG/AMP sequence variant interpretation guidelines (Richards et al. 2015 PMID: 25741868, with internal and published modifications).